The following is an entry in ClinVar:

ClinVar aggregate classification (germline): Benign/Likely benign. Review status: criteria provided, multiple submitters, no conflicts (2 of 4 stars). 2 submissions from 2 submitters: Benign (1); Likely benign (1). Last evaluated 2026-03-01.

Conditions:
Oculofaciocardiodental syndrome (MCOPS2). Identifiers: Orphanet 2712, MedGen C1846265, MONDO:0010261, OMIM 300166.

Allele frequency attached by ClinVar (database versions not stated): TOPMed 0.00010; gnomAD 0.00016; ExAC 0.00017; 1000 Genomes Project 0.00026; ESP Exome Variant Server 0.00038; 1000 Genomes Project 30x 0.00042.
gnomAD v4.1: 204 of 1,210,154 alleles (0.017%); highest among the groups gnomAD compares: Middle Eastern, 0.069%; no homozygotes.

Submissions (2):

CeGaT Center for Human Genetics Tuebingen
Classification: Likely benign. Last evaluated: 2026-03-01. Review status: criteria provided, single submitter. Criteria: CeGaT Center For Human Genetics Tuebingen Variant Classification Criteria Version 2. Collection method: clinical testing. Allele origin: germline. Affected: yes. Observed: 1 variant allele.
Comment: BCOR: BP4, BP7, BS2

Labcorp Genetics (formerly Invitae), Labcorp
Classification: Benign for Oculofaciocardiodental syndrome. Last evaluated: 2025-10-19. Review status: criteria provided, single submitter. Criteria: Invitae Variant Classification Sherloc (09022015). Collection method: clinical testing. Allele origin: germline.

NM_001123385.2(BCOR):c.3669G>A (p.Ser1223=)

Gene: BCOR (BCL6 corepressor; minus strand). Cytogenetic location: Xp11.4.
Variant type: single nucleotide variant.
Coding change: c.3669G>A on transcript NM_001123385.2 (MANE Select); coding-DNA position 3669, G replaced by A.
Protein change: p.Ser1223=; no amino-acid change (serine 1223 retained).
Molecular consequence: synonymous variant.
Genome position (GRCh38, 1-based): chrX:40,063,786, C>T on the plus strand (G>A on the coding strand, the complement: BCOR is on the minus strand). VCF-style: chrX-40063786-C-T. GRCh37 (hg19) VCF-style: chrX-39923039-C-T.
Other names: c.3567G>A, p.Ser1189= (NM_001123383.2, NM_017745.6); c.3513G>A, p.Ser1171= (NM_001123384.2).
Identifiers: ClinVar variation 696025 (VCV000696025.14), dbSNP rs372032523, ClinGen allele CA10386573.